The following is an entry in ClinVar:

NM_032444.4(SLX4):c.3893A>T (p.Asn1298Ile)

Gene: SLX4 (SLX4 structure-specific endonuclease subunit; minus strand). Cytogenetic location: 16p13.3.
Variant type: single nucleotide variant.
Coding change: c.3893A>T on transcript NM_032444.4 (MANE Select); coding-DNA position 3893, A replaced by T.
Protein change: p.Asn1298Ile; replaces asparagine 1298 with isoleucine.
Molecular consequence: missense variant.
Genome position (GRCh38, 1-based): chr16:3,589,745, T>A on the plus strand (A>T on the coding strand, the complement: SLX4 is on the minus strand). VCF-style: chr16-3589745-T-A. GRCh37 (hg19) VCF-style: chr16-3639746-T-A.
Other names: short protein forms N1298I.
Identifiers: ClinVar variation 3630471 (VCV003630471.2).

ClinVar aggregate classification (germline): Uncertain significance (1 of 4 stars; one submission).

Conditions:
Fanconi anemia (FA). Also called: Fanconi's anemia. Identifiers: Orphanet 84, MedGen C0015625, MeSH D005199, MONDO:0019391.

Submission:

Labcorp Genetics (formerly Invitae), Labcorp
Classification: Uncertain significance for Fanconi anemia. Last evaluated: 2024-09-03. Review status: criteria provided, single submitter. Criteria: Invitae Variant Classification Sherloc (09022015). Collection method: clinical testing. Allele origin: germline.
Comment: This sequence change replaces asparagine, which is neutral and polar, with isoleucine, which is neutral and non-polar, at codon 1298 of the SLX4 protein (p.Asn1298Ile). This variant is not present in population databases (gnomAD no frequency). This variant has not been reported in the literature in individuals affected with SLX4-related conditions. An algorithm developed to predict the effect of missense changes on protein structure and function (PolyPhen-2) suggests that this variant is likely to be tolerated. In summary, the available evidence is currently insufficient to determine the role of this variant in disease. Therefore, it has been classified as a Variant of Uncertain Significance.